The following is an entry in ClinVar:

NM_000478.6(ALPL):c.715G>T (p.Asp239Tyr)

Gene: ALPL (alkaline phosphatase, biomineralization associated; plus strand). Cytogenetic location: 1p36.12.
Variant type: single nucleotide variant.
Coding change: c.715G>T on transcript NM_000478.6 (MANE Select); coding-DNA position 715, G replaced by T.
Protein change: p.Asp239Tyr; replaces aspartic acid 239 with tyrosine.
Molecular consequence: missense variant.
Genome position (GRCh38, 1-based): chr1:21,568,170, G>T. VCF-style: chr1-21568170-G-T. GRCh37 (hg19) VCF-style: chr1-21894663-G-T.
Other names: c.550G>T, p.Asp184Tyr (NM_001127501.4); c.484G>T, p.Asp162Tyr (NM_001177520.3); c.715G>T, p.Asp239Tyr (NM_001369803.2, NM_001369804.2, NM_001369805.2); short protein forms D162Y, D184Y, D239Y.
Identifiers: ClinVar variation 1683492 (VCV001683492.7), dbSNP rs1416572796, ClinGen allele CA338879222.

ClinVar aggregate classification (germline): Conflicting classifications of pathogenicity. Review status: criteria provided, conflicting classifications (1 of 4 stars). 4 submissions from 4 submitters: Likely pathogenic (3); Uncertain significance (1). Last evaluated 2025-09-23.

Conditions:
Hypophosphatasia. Also called: Phosphoethanol-aminuria. Identifiers: Orphanet 436, MedGen C0020630, MeSH D007014, MONDO:0018570.

Allele frequency attached by ClinVar (database versions not stated): gnomAD exomes below 0.00001.
gnomAD v4.1: 3 of 1,614,090 alleles (0.00019%); highest among the groups gnomAD compares: South Asian, 0.0033%; no homozygotes.

Submissions (4):

Women's Health and Genetics/Laboratory Corporation of America, LabCorp
Classification: Likely pathogenic for Hypophosphatasia. Last evaluated: 2025-09-23. Review status: criteria provided, single submitter. Criteria: LabCorp Variant Classification Summary - May 2015. Collection method: clinical testing. Allele origin: germline.
Comment: Variant summary: ALPL c.715G>T (p.Asp239Tyr) results in a non-conservative amino acid change in the encoded protein sequence. Algorithms developed to predict the effect of missense changes on protein structure and function all suggest that this variant is likely to be disruptive. The variant allele was found at a frequency of 4e-06 in 251436 control chromosomes. c.715G>T has been observed in a homozygous individual affected with Hypophosphatasia (example: Uday_2019). These data indicate that the variant may be associated with disease. At least one publication reports experimental evidence evaluating an impact on protein function. The most pronounced variant effect results in 30%-50% of normal activity (example: Uday_2019). The following publications have been ascertained in the context of this evaluation (PMID: 26896157, 31146036). ClinVar contains an entry for this variant (Variation ID: 1683492). Based on the evidence outlined above, the variant was classified as likely pathogenic.

Genomenon, Inc
Classification: Likely pathogenic for Hypophosphatasia. Last evaluated: 2025-08-29. Review status: criteria provided, single submitter. Criteria: Genomenon Sequence Variant Interpretation Standards. Collection method: curation. Allele origin: germline. Affected: yes.
Comment: ALPL c.715G>T is a missense variant that changes the amino acid at residue 239 from Aspartic Acid to Tyrosine. This variant has been observed in a proband affected with hypophosphatasia (PMID:26896157;31146036). The variant was found to segregate with disease in at least one affected family (PMID:31146036). Functional studies have been reported;however, the significance of the findings remain unclear (PMID:31146036). It is absent or not present at a significant frequency in gnomAD. In silico models agree that this variant is possibly or probably damaging. In conclusion, we classify ALPL p.Asp239Tyr (c.715G>T) as a likely pathogenic variant.

Labcorp Genetics (formerly Invitae), Labcorp
Classification: Likely pathogenic. Last evaluated: 2023-06-14. Review status: criteria provided, single submitter. Criteria: Invitae Variant Classification Sherloc (09022015). Collection method: clinical testing. Allele origin: germline.
Comment: Experimental studies have shown that this missense change affects ALPL function (PMID: 31146036). In summary, the currently available evidence indicates that the variant is pathogenic, but additional data are needed to prove that conclusively. Therefore, this variant has been classified as Likely Pathogenic. Advanced modeling of protein sequence and biophysical properties (such as structural, functional, and spatial information, amino acid conservation, physicochemical variation, residue mobility, and thermodynamic stability) performed at Invitae indicates that this missense variant is expected to disrupt ALPL protein function. This sequence change replaces aspartic acid, which is acidic and polar, with tyrosine, which is neutral and polar, at codon 239 of the ALPL protein (p.Asp239Tyr). This variant is present in population databases (no rsID available, gnomAD 0.003%). This missense change has been observed in individual(s) with hypophosphatasia (PMID: 26896157, 31146036). ClinVar contains an entry for this variant (Variation ID: 1683492).

JKU Lab, Dept of Paediatrics, Johannes Kepler University
Classification: Uncertain significance for Hypophosphatasia. Last evaluated: 2022-04-19. Review status: criteria provided, single submitter. Criteria: ACMG Guidelines, 2015. Collection method: clinical testing. Allele origin: germline. Affected: yes. Observed: 1 heterozygote, 1 homozygote.
Comment: GnomAD frequencies ALL:0.00040% - SAS:0.0033%. REVEL score 0.7099. Functional studies were performed at the JKU lab. ACMG Criteria used for classification: PM2_sup, PM3_sup, PP2_sup, PP3_sup, PP1_sup, PS3_sup, PP4_sup

Literature cited by the submitters: PubMed 26896157 (cited by 4 submitters); PubMed 31146036 (cited by 4 submitters).